The following is an entry in ClinVar:

ClinVar aggregate classification (germline): Pathogenic (1 of 4 stars; one submission).

Conditions:
BAP1-related tumor predisposition syndrome (TPDS1). Also called: Tumor susceptibility linked to germline BAP1 mutations; COMMON Syndrome; TUMOR PREDISPOSITION SYNDROME 1; BAP1 tumor predisposition syndrome. Identifiers: Orphanet 289539, MedGen C3280492, MONDO:0013692, OMIM 614327.

Submission:

Labcorp Genetics (formerly Invitae), Labcorp
Classification: Pathogenic for BAP1-related tumor predisposition syndrome. Last evaluated: 2024-08-31. Review status: criteria provided, single submitter. Criteria: Invitae Variant Classification Sherloc (09022015). Collection method: clinical testing. Allele origin: germline.
Comment: This sequence change creates a premature translational stop signal (p.Gly220Valfs*24) in the BAP1 gene. It is expected to result in an absent or disrupted protein product. Loss-of-function variants in BAP1 are known to be pathogenic (PMID: 21874000, 23684012). This variant is not present in population databases (gnomAD no frequency). This variant has not been reported in the literature in individuals affected with BAP1-related conditions. For these reasons, this variant has been classified as Pathogenic.

Literature cited by the submitters: PubMed 21874000; PubMed 23684012.

NM_004656.4(BAP1):c.658_659insTTAC (p.Gly220fs)

Gene: BAP1 (BRCA1 associated deubiquitinase 1; minus strand). Cytogenetic location: 3p21.1.
Variant type: Insertion.
Coding change: c.658_659insTTAC on transcript NM_004656.4 (MANE Select); coding-DNA positions 658 to 659, TTAC inserted.
Protein change: p.Gly220fs; shifts the reading frame from glycine 220.
Molecular consequence: frameshift variant.
Genome position: GRCh38 VCF-style: chr3-52406829-C-CGTAA. GRCh37 (hg19) VCF-style: chr3-52440845-C-CGTAA.
Other names: c.658_659insTTAC, p.Gly220fs (NM_001410772.1); short protein forms G220fs.
Identifiers: ClinVar variation 3662994 (VCV003662994.2).